The following is an entry in ClinVar:

NM_015102.5(NPHP4):c.3473-1G>T

Gene: NPHP4 (nephrocystin 4; minus strand). Cytogenetic location: 1p36.31.
Variant type: single nucleotide variant.
Coding change: c.3473-1G>T on transcript NM_015102.5 (MANE Select); the canonical splice acceptor site of the intron before coding-DNA position 3473, G replaced by T.
Molecular consequence: splice acceptor variant.
Genome position (GRCh38, 1-based): chr1:5,867,116, C>A on the plus strand (G>T on the coding strand, the complement: NPHP4 is on the minus strand). VCF-style: chr1-5867116-C-A. GRCh37 (hg19) VCF-style: chr1-5927176-C-A.
Other names: c.1937-1G>T (NM_001291594.2); c.1934-1G>T (NM_001291593.2).
Identifiers: ClinVar variation 1068180 (VCV001068180.7), dbSNP rs564232197, ClinGen allele CA338051360.

ClinVar aggregate classification (germline): Likely pathogenic (1 of 4 stars; one submission).

Conditions:
Nephronophthisis. Also called: Juvenile Nephronophthisis. Identifiers: Orphanet 655, MedGen C0687120, MONDO:0019005, HP:0000090.

Submission:

Labcorp Genetics (formerly Invitae), Labcorp
Classification: Likely pathogenic for Nephronophthisis. Last evaluated: 2020-03-06. Review status: criteria provided, single submitter. Criteria: Invitae Variant Classification Sherloc (09022015). Collection method: clinical testing. Allele origin: germline.
Comment: In summary, the currently available evidence indicates that the variant is pathogenic, but additional data are needed to prove that conclusively. Therefore, this variant has been classified as Likely Pathogenic. Donor and acceptor splice site variants typically lead to a loss of protein function (PMID: 16199547), and loss-of-function variants in NPHP4 are known to be pathogenic (PMID: 12205563, 23559409). This variant has not been reported in the literature in individuals with NPHP4-related conditions. This variant is not present in population databases (ExAC no frequency). This sequence change affects an acceptor splice site in intron 24 of the NPHP4 gene. It is expected to disrupt RNA splicing and likely results in an absent or disrupted protein product.

Literature cited by the submitters: PubMed 16199547; PubMed 12205563; PubMed 23559409.